The following is an entry in ClinVar:

ClinVar aggregate classification (germline): Uncertain significance (1 of 4 stars; one submission).

Allele frequency attached by ClinVar (database versions not stated): TOPMed 0.00005; ESP Exome Variant Server 0.00008; ExAC 0.00022.
gnomAD v4.1: 172 of 1,613,684 alleles (0.011%); highest among the groups gnomAD compares: South Asian, 0.056%; no homozygotes.

Submission:

Labcorp Genetics (formerly Invitae), Labcorp
Classification: Uncertain significance. Last evaluated: 2023-10-03. Review status: criteria provided, single submitter. Criteria: Invitae Variant Classification Sherloc (09022015). Collection method: clinical testing. Allele origin: germline.
Comment: This sequence change replaces threonine, which is neutral and polar, with methionine, which is neutral and non-polar, at codon 1099 of the MYO18B protein (p.Thr1099Met). This variant is present in population databases (rs147821283, gnomAD 0.06%). This variant has not been reported in the literature in individuals affected with MYO18B-related conditions. ClinVar contains an entry for this variant (Variation ID: 1898576). An algorithm developed to predict the effect of missense changes on protein structure and function (PolyPhen-2) suggests that this variant is likely to be disruptive. In summary, the available evidence is currently insufficient to determine the role of this variant in disease. Therefore, it has been classified as a Variant of Uncertain Significance.

NM_032608.7(MYO18B):c.3296C>T (p.Thr1099Met)

Gene: MYO18B (myosin XVIIIB; plus strand). Cytogenetic location: 22q12.1.
Variant type: single nucleotide variant.
Coding change: c.3296C>T on transcript NM_032608.7 (MANE Select); coding-DNA position 3296, C replaced by T.
Protein change: p.Thr1099Met; replaces threonine 1099 with methionine.
Molecular consequence: missense variant.
Genome position (GRCh38, 1-based): chr22:25,843,822, C>T. VCF-style: chr22-25843822-C-T. GRCh37 (hg19) VCF-style: chr22-26239789-C-T.
Other names: c.3299C>T, p.Thr1100Met (NM_001318245.2); short protein forms T1100M, T1099M.
Identifiers: ClinVar variation 1898576 (VCV001898576.3), dbSNP rs147821283, ClinGen allele CA10160518.